The following is an entry in ClinVar:

ClinVar aggregate classification (germline): Uncertain significance (1 of 4 stars; one submission).

Conditions:
Cardiovascular phenotype. Identifiers: MedGen CN230736.

Submission:

Ambry Genetics
Classification: Uncertain significance for Cardiovascular phenotype. Last evaluated: 2026-04-19. Review status: criteria provided, single submitter. Criteria: Ambry Variant Classification Scheme 2023. Collection method: clinical testing. Allele origin: germline.
Comment: The p.V5G variant (also known as c.14T>G), located in coding exon 1 of the CBL gene, results from a T to G substitution at nucleotide position 14. The valine at codon 5 is replaced by glycine, an amino acid with dissimilar properties. This amino acid position is conserved. In addition, the in silico prediction for this alteration is inconclusive. Based on the available evidence, the clinical significance of this variant remains unclear.

NM_005188.4(CBL):c.14T>G (p.Val5Gly)

Genes: CBL (Cbl proto-oncogene; plus strand), LOC130006895 (ATAC-STARR-seq lymphoblastoid silent region 3975; plus strand). Cytogenetic location: 11q23.3.
Variant type: single nucleotide variant.
Coding change: c.14T>G on transcript NM_005188.4 (MANE Select); coding-DNA position 14, T replaced by G.
Protein change: p.Val5Gly; replaces valine 5 with glycine.
Molecular consequence: missense variant.
Genome position (GRCh38, 1-based): chr11:119,206,431, T>G. VCF-style: chr11-119206431-T-G. GRCh37 (hg19) VCF-style: chr11-119077141-T-G.
Other names: short protein forms V5G.
Identifiers: ClinVar variation 4868231 (VCV004868231.1).
Genomic context (GRCh38, chr11:119,206,431, plus strand): 5'-TCGAGCCGAGCCGGCGGACCCGCCTGGGCTCCGACCCTGCCCAGGCCATGGCCGGCAACG[T>G]GAAGAAGAGCTCTGGGGCCGGGGGCGGCAGCGGCTCCGGGGGCTCGGGTTCGGGTGGCCT-3'
Protein context (NP_005179.2, residues 1-15): MAGN[Val5Gly]KKSSGAGGGS